The following is an entry in ClinVar:

NM_001330311.2(DVL1):c.1075G>A (p.Asp359Asn)

Gene: DVL1 (dishevelled segment polarity protein 1; minus strand). Cytogenetic location: 1p36.33.
Variant type: single nucleotide variant.
Coding change: c.1075G>A on transcript NM_001330311.2 (MANE Select); coding-DNA position 1075, G replaced by A.
Protein change: p.Asp359Asn; replaces aspartic acid 359 with asparagine.
Molecular consequence: missense variant.
Genome position (GRCh38, 1-based): chr1:1,339,419, C>T on the plus strand (G>A on the coding strand, the complement: DVL1 is on the minus strand). VCF-style: chr1-1339419-C-T. GRCh37 (hg19) VCF-style: chr1-1274799-C-T.
Other names: c.1075G>A, p.Asp359Asn (NM_004421.3); short protein forms D359N.
Identifiers: ClinVar variation 1915795 (VCV001915795.5), dbSNP rs2523165798, ClinGen allele CA337867590.

ClinVar aggregate classification (germline): Uncertain significance (1 of 4 stars; one submission).

gnomAD v4.1: 10 of 1,546,248 alleles (0.00065%); highest among the groups gnomAD compares: South Asian, 0.0024%; no homozygotes.

Submission:

Labcorp Genetics (formerly Invitae), Labcorp
Classification: Uncertain significance. Last evaluated: 2022-05-31. Review status: criteria provided, single submitter. Criteria: Invitae Variant Classification Sherloc (09022015). Collection method: clinical testing. Allele origin: germline.
Comment: This variant is not present in population databases (gnomAD no frequency). This sequence change replaces aspartic acid, which is acidic and polar, with asparagine, which is neutral and polar, at codon 359 of the DVL1 protein (p.Asp359Asn). This variant has not been reported in the literature in individuals affected with DVL1-related conditions. In summary, the available evidence is currently insufficient to determine the role of this variant in disease. Therefore, it has been classified as a Variant of Uncertain Significance. Algorithms developed to predict the effect of missense changes on protein structure and function are either unavailable or do not agree on the potential impact of this missense change (SIFT: "Deleterious"; PolyPhen-2: "Probably Damaging"; Align-GVGD: "Class C0").